The following is an entry in ClinVar:

ClinVar aggregate classification (germline): Uncertain significance. Review status: criteria provided, multiple submitters, no conflicts (2 of 4 stars). 2 submissions from 2 submitters: Uncertain significance (2). Last evaluated 2023-07-31.

Conditions:
GRM1-related disorder. Also called: GRM1-related condition.

Allele frequency attached by ClinVar (database versions not stated): TOPMed 0.00001; ExAC 0.00002; gnomAD exomes 0.00002.
gnomAD v4.1: 16 of 1,613,656 alleles (0.00099%); highest among the groups gnomAD compares: Admixed American, 0.0033%; no homozygotes.

Submissions (2):

PreventionGenetics, part of Exact Sciences
Classification: Uncertain significance for GRM1-related condition. Last evaluated: 2023-07-31. Review status: criteria provided, single submitter. Criteria: ACMG Guidelines, 2015. Collection method: clinical testing. Allele origin: germline.
Comment: The GRM1 c.1489G>A variant is predicted to result in the amino acid substitution p.Val497Ile. To our knowledge, this variant has not been reported in the literature. This variant is reported in 0.0054% of alleles in individuals of East Asian descent in gnomAD. At this time, the clinical significance of this variant is uncertain due to the absence of conclusive functional and genetic evidence.

Labcorp Genetics (formerly Invitae), Labcorp
Classification: Uncertain significance. Last evaluated: 2020-12-28. Review status: criteria provided, single submitter. Criteria: Invitae Variant Classification Sherloc (09022015). Collection method: clinical testing. Allele origin: germline.
Comment: This variant has not been reported in the literature in individuals with GRM1-related conditions. In summary, the available evidence is currently insufficient to determine the role of this variant in disease. Therefore, it has been classified as a Variant of Uncertain Significance. Algorithms developed to predict the effect of missense changes on protein structure and function output the following: SIFT: "Tolerated"; PolyPhen-2: "Benign"; Align-GVGD: "Class C0". The isoleucine amino acid residue is found in multiple mammalian species, suggesting that this missense change does not adversely affect protein function. These predictions have not been confirmed by published functional studies and their clinical significance is uncertain. This variant is present in population databases (rs757559798, ExAC 0.003%). This sequence change replaces valine with isoleucine at codon 497 of the GRM1 protein (p.Val497Ile). The valine residue is moderately conserved and there is a small physicochemical difference between valine and isoleucine.

NM_001278064.2(GRM1):c.1489G>A (p.Val497Ile)

Gene: GRM1 (glutamate metabotropic receptor 1; plus strand). Cytogenetic location: 6q24.3.
Variant type: single nucleotide variant.
Coding change: c.1489G>A on transcript NM_001278064.2 (MANE Select); coding-DNA position 1489, G replaced by A.
Protein change: p.Val497Ile; replaces valine 497 with isoleucine.
Molecular consequence: missense variant.
Genome position (GRCh38, 1-based): chr6:146,357,581, G>A. VCF-style: chr6-146357581-G-A. GRCh37 (hg19) VCF-style: chr6-146678717-G-A.
Other names: c.1489G>A (NM_001278064.1); c.1489G>A, p.Val497Ile (NM_001278065.2, NM_001278066.1, NM_001278067.1); short protein forms V497I.
Identifiers: ClinVar variation 1361362 (VCV001361362.8), dbSNP rs757559798, ClinGen allele CA4037305.